The following is an entry in ClinVar:

NM_006231.4(POLE):c.3718G>A (p.Glu1240Lys)

Gene: POLE (DNA polymerase epsilon, catalytic subunit; minus strand). Cytogenetic location: 12q24.33.
Variant type: single nucleotide variant.
Coding change: c.3718G>A on transcript NM_006231.4 (MANE Select); coding-DNA position 3718, G replaced by A.
Protein change: p.Glu1240Lys; replaces glutamic acid 1240 with lysine.
Molecular consequence: missense variant.
Genome position (GRCh38, 1-based): chr12:132,649,754, C>T on the plus strand (G>A on the coding strand, the complement: POLE is on the minus strand). VCF-style: chr12-132649754-C-T. GRCh37 (hg19) VCF-style: chr12-133226340-C-T.
Other names: short protein forms E1240K.
Identifiers: ClinVar variation 240475 (VCV000240475.54), dbSNP rs113594027, ClinGen allele CA6893133.

ClinVar aggregate classification (germline): Conflicting classifications of pathogenicity. Review status: criteria provided, conflicting classifications (1 of 4 stars). 18 submissions from 18 submitters: Uncertain significance (6); Benign (3); Likely benign (7). 2 of the submissions do not count toward it. Last evaluated 2026-08-01.

Conditions:
Polymerase proofreading-related adenomatous polyposis. Also called: Polymerase proofreading associated polyposis; Polymerase proofreading–associated polyposis (PPAP). Identifiers: Orphanet 447877, MedGen C5202613, MONDO:0018653.
POLE-related disorder. Also called: POLE-related condition; POLE-related disorders.
Hereditary cancer-predisposing syndrome. Also called: Hereditary neoplastic syndrome; Hereditary Cancer Syndrome; Neoplastic Syndromes, Hereditary; Tumor predisposition. Identifiers: Orphanet 140162, MedGen C0027672, MeSH D009386, MONDO:0015356.

Allele frequency attached by ClinVar (database versions not stated): gnomAD 0.00073 and 0.00074; TOPMed 0.00075; gnomAD exomes 0.00076 and 0.00150; ExAC 0.00085; ESP Exome Variant Server 0.00123.
gnomAD v4.1: 2,293 of 1,614,080 alleles (0.14%); highest among the groups gnomAD compares: Non-Finnish European, 0.18%; 2 homozygotes.

Submissions (18):

CeGaT Center for Human Genetics Tuebingen
Classification: Likely benign. Last evaluated: 2026-08-01. Review status: criteria provided, single submitter. Criteria: CeGaT Center For Human Genetics Tuebingen Variant Classification Criteria Version 2. Collection method: clinical testing. Allele origin: germline. Affected: yes. Observed: 1 variant allele.
Comment: POLE: BP4

Labcorp Genetics (formerly Invitae), Labcorp
Classification: Likely benign. Last evaluated: 2026-02-03. Review status: criteria provided, single submitter. Criteria: Invitae Variant Classification Sherloc (09022015). Collection method: clinical testing. Allele origin: germline.

Center for Genomic Medicine, Rigshospitalet, Copenhagen University Hospital
Classification: Benign. Last evaluated: 2025-12-29. Review status: criteria provided, single submitter. Criteria: ACMG Guidelines, 2015. Collection method: clinical testing. Allele origin: germline.
Comment: Classification criteria: BA1

Mayo Clinic Laboratories, Mayo Clinic
Classification: Likely benign. Last evaluated: 2025-08-18. Review status: criteria provided, single submitter. Criteria: ACMG Guidelines, 2015. Collection method: clinical testing. Allele origin: germline. Observed: 1 variant allele.
Comment: BS1, BP4

Laboratorio de I+D, Fundación Centro Médico de Asturias
Classification: Benign for Hereditary cancer-predisposing syndrome. Last evaluated: 2025-07-13. Review status: criteria provided, single submitter. Criteria: ACMG Guidelines, 2015. Collection method: clinical testing. Allele origin: germline.
Comment: BS1+BS2+BP4_Moderate+BP1_Supporting

Women's Health and Genetics/Laboratory Corporation of America, LabCorp
Classification: Likely benign. Last evaluated: 2025-06-30. Review status: criteria provided, single submitter. Criteria: LabCorp Variant Classification Summary - May 2015. Collection method: clinical testing. Allele origin: germline.
Comment: Variant summary: POLE c.3718G>A (p.Glu1240Lys) results in a conservative amino acid change in the encoded protein sequence. Algorithms developed to predict the effect of missense changes on protein structure and function all suggest that this variant is likely to be tolerated. The variant allele was found at a frequency of 0.00076 in 251418 control chromosomes, predominantly at a frequency of 0.0015 within the Non-Finnish European subpopulation in the gnomAD database. The observed variant frequency within Non-Finnish European control individuals in the gnomAD database is approximately 1.34 fold of the estimated maximal expected allele frequency for a pathogenic variant in POLE causing Facial Dysmorphism, Immunodeficiency, Livedo, And Short Stature phenotype (0.0011). To our knowledge, no occurrence of c.3718G>A in individuals affected with Facial Dysmorphism, Immunodeficiency, Livedo, And Short Stature and no experimental evidence demonstrating its impact on protein function have been reported. ClinVar contains an entry for this variant (Variation ID: 240475). Based on the evidence outlined above, the variant was classified as likely benign.

Blueprint Genetics
Classification: Uncertain significance. Last evaluated: 2024-11-08. Review status: criteria provided, single submitter. Criteria: ACMG Guidelines, 2015. Collection method: clinical testing. Allele origin: germline.

Ambry Genetics
Classification: Benign for Hereditary cancer-predisposing syndrome. Last evaluated: 2024-02-27. Review status: criteria provided, single submitter. Criteria: Ambry Variant Classification Scheme 2023. Collection method: clinical testing. Allele origin: germline.

Department of Pathology and Laboratory Medicine, Sinai Health System
Classification: Likely benign for Polymerase proofreading-related adenomatous polyposis. Last evaluated: 2023-06-02. Review status: criteria provided, single submitter. Criteria: ACMG Guidelines, 2015. Collection method: clinical testing. Allele origin: germline. Affected: yes.

Genetic Services Laboratory, University of Chicago
Classification: Likely benign. Last evaluated: 2021-12-30. Review status: criteria provided, single submitter. Criteria: ACMG Guidelines, 2015. Collection method: clinical testing. Allele origin: germline. Affected: no.

Institute for Clinical Genetics, University Hospital TU Dresden, University Hospital TU Dresden
Classification: Uncertain significance. Last evaluated: 2021-11-03. Review status: criteria provided, single submitter. Criteria: ACMG Guidelines, 2015. Collection method: clinical testing. Allele origin: germline.

ARUP Laboratories, Molecular Genetics and Genomics, ARUP Laboratories
Classification: Uncertain significance. Last evaluated: 2021-07-05. Review status: criteria provided, single submitter. Criteria: ARUP Molecular Germline Variant Investigation Process 2021. Collection method: clinical testing. Allele origin: germline.
Comment: The POLE c.3718G>A; p.Glu1240Lys variant (rs113594027) is reported in the literature in at least one individual with advanced cancer (Mandelker 2017), and reported as a somatic mutation in an individual with glioblastoma (Jue 2019). This variant is also reported in the ClinVar database (Variation ID: 240475). It is found in the general population with an overall allele frequency of 0.07% (206/282824 alleles) in the Genome Aggregation Database. The glutamate at codon 1240 is weakly conserved, but computational analyses are uncertain whether this variant is neutral or deleterious (REVEL: 0.17). Additionally, this variant is not located in the exonuclease domain (Parkash 2019), and gene-disease association has not been established for variants outside of the exonuclease domain (Seifert 2019). However, due to limited information, the clinical significance of this variant is uncertain at this time. Jue TR et al. A case study of a long-term glioblastoma survivor with unmethylated MGMT and hypermutated genotype. Cold Spring Harb Mol Case Stud. 2019 Jun 3;5(3). Mandelker D et al. Mutation Detection in Patients With Advanced Cancer by Universal Sequencing of Cancer-Related Genes in Tumor and Normal DNA vs Guideline-Based Germline Testing. JAMA. 2017 Sep 5;318(9):825-835. Parkash V et al. Structural consequence of the most frequently recurring cancer-associated substitution in DNA polymerase e. Nat Commun. 2019 Jan 22;10(1):373. Seifert BA et al. Determining the clinical validity of hereditary colorectal cancer and polyposis susceptibility genes using the Clinical Genome Resource Clinical Validity Framework. Genet Med. 2019 Jul;21(7):1507-1516.

Sema4
Classification: Likely benign for Hereditary cancer-predisposing syndrome. Last evaluated: 2021-06-16. Review status: criteria provided, single submitter. Criteria: Sema4 Curation Guidelines. Collection method: curation. Allele origin: germline.

GeneDx
Classification: Uncertain significance. Last evaluated: 2018-02-28. Review status: criteria provided, single submitter. Criteria: GeneDx Variant Classification (06012015). Collection method: clinical testing. Allele origin: germline. Affected: yes.
Comment: This variant is denoted POLE c.3718G>A at the cDNA level, p.Glu1240Lys (E1240K) at the protein level, and results in the change of a Glutamic Acid to a Lysine (GAG>AAG). This variant has been observed in at least one individual with advanced cancer (Mandelker 2017). POLE Glu1240Lys was observed at an allele frequency of 0.15% (190/126,656 ) in individuals of European (Non-Finnish) ancestry in large population cohorts (Lek 2016). This variant is not located in a known functional domain. In-silico analysis, which includes protein predictors and evolutionary conservation, supports that this variant does not alter protein structure/function. Based on currently available evidence, it is unclear whether POLE Glu1240Lys is a pathogenic or benign variant. We consider it to be a variant of uncertain significance.

Quest Diagnostics Nichols Institute San Juan Capistrano
Classification: Uncertain significance. Last evaluated: 2016-12-29. Review status: criteria provided, single submitter. Criteria: Quest Diagnostics criteria. Collection method: clinical testing. Allele origin: germline.

Laboratory for Molecular Medicine, Mass General Brigham Personalized Medicine
Classification: Uncertain significance. Last evaluated: 2016-10-31. Review status: criteria provided, single submitter. Criteria: LMM Criteria. Collection method: clinical testing. Allele origin: germline.
Comment: Variant identified in a genome or exome case(s) and assessed due to predicted null impact of the variant or pathogenic assertions in the literature or databases. Disclaimer: This variant has not undergone full assessment. The following are preliminary notes: This variant has not been reported in affected individuals. It is classified in ClinVar with 1 star as Likely benign by Invitae and VUS by GeneDx. It is present in ExAC at a MaxMAF of 0.15% (high for disease incidence and gene contribution). It is predicted to be benign by multiple prediction tools. Mouse and Rat have a Lysine at this position.

PreventionGenetics, part of Exact Sciences
Classification: Likely benign for POLE-related condition. Last evaluated: 2020-12-15. Review status: no assertion criteria provided. Collection method: clinical testing. Allele origin: germline. Not counted in ClinVar's aggregate classification.
Comment: This variant is classified as likely benign based on ACMG/AMP sequence variant interpretation guidelines (Richards et al. 2015 PMID: 25741868, with internal and published modifications).

True Health Diagnostics
Classification: Uncertain significance for Hereditary cancer-predisposing syndrome. Last evaluated: 2018-04-06. Review status: no assertion criteria provided. Collection method: clinical testing. Allele origin: germline. Not counted in ClinVar's aggregate classification.

Literature cited by the submitters: PubMed 28873162 (cited by Department of Pathology and Laboratory Medicine, Sinai Health System); PubMed 31160353 (cited by Department of Pathology and Laboratory Medicine, Sinai Health System).